The following is an entry in ClinVar:

NM_000159.4(GCDH):c.727C>T (p.Arg243Trp)

Gene: GCDH (glutaryl-CoA dehydrogenase; plus strand). Cytogenetic location: 19p13.13.
Variant type: single nucleotide variant.
Coding change: c.727C>T on transcript NM_000159.4 (MANE Select); coding-DNA position 727, C replaced by T.
Protein change: p.Arg243Trp; replaces arginine 243 with tryptophan.
Molecular consequence: missense variant. On other transcripts: non-coding transcript variant (2).
Genome position (GRCh38, 1-based): chr19:12,896,296, C>T. VCF-style: chr19-12896296-C-T. GRCh37 (hg19) VCF-style: chr19-13007110-C-T.
Other names: c.727C>T, p.Arg243Trp (NM_013976.5); short protein forms R243W.
Identifiers: ClinVar variation 1041029 (VCV001041029.10), dbSNP rs549254182, ClinGen allele CA9234472.
Genomic context (GRCh38, chr19:12,896,296, plus strand): 5'-GTAGTGTGGGCTCGGTGTGAAGATGGCTGCATTCGGGGCTTCCTGCTGGAGAAGGGGATG[C>T]GGGGTCTCTCGGCCCCCAGGATCCAGGGCAAGTTCTCGCTGCGGGCCTCAGCCACAGGCA-3'
Protein context (NP_000150.1, residues 233-253): IRGFLLEKGM[Arg243Trp]GLSAPRIQGK

ClinVar aggregate classification (germline): Uncertain significance. Review status: criteria provided, single submitter (1 of 4 stars). 3 submissions from 3 submitters: Uncertain significance (1). 2 of the submissions do not count toward it. Last evaluated 2022-06-20.

Conditions:
Glutaric aciduria, type 1. Also called: Glutaricacidemia Type 1; Glutaricaciduria, type I; GA I; Glutaric Acidemia Type 1; Glutaryl-CoA dehydrogenase deficiency; Glutaric acidemia type I. Identifiers: Orphanet 25, MedGen C0268595, MONDO:0009281, OMIM 231670.

Allele frequency attached by ClinVar (database versions not stated): gnomAD exomes 0.00001 and 0.00002; TOPMed 0.00001; ExAC 0.00004; 1000 Genomes Project 30x 0.00016; 1000 Genomes Project 0.00020.

Submissions (3):

Labcorp Genetics (formerly Invitae), Labcorp
Classification: Uncertain significance for Glutaric aciduria, type 1. Last evaluated: 2022-06-20. Review status: criteria provided, single submitter. Criteria: Invitae Variant Classification Sherloc (09022015). Collection method: clinical testing. Allele origin: germline.
Comment: This sequence change replaces arginine, which is basic and polar, with tryptophan, which is neutral and slightly polar, at codon 243 of the GCDH protein (p.Arg243Trp). This variant is present in population databases (rs549254182, gnomAD 0.02%). This missense change has been observed in individual(s) with a positive newborn screening result for GCDH-related disease (PMID: 32778825). ClinVar contains an entry for this variant (Variation ID: 1041029). Advanced modeling of protein sequence and biophysical properties (such as structural, functional, and spatial information, amino acid conservation, physicochemical variation, residue mobility, and thermodynamic stability) performed at Invitae indicates that this missense variant is expected to disrupt GCDH protein function. In summary, the available evidence is currently insufficient to determine the role of this variant in disease. Therefore, it has been classified as a Variant of Uncertain Significance.

Natera, Inc.
Classification: Uncertain significance for Glutaric acidemia type 1. Last evaluated: 2020-02-26. Review status: no assertion criteria provided. Collection method: clinical testing. Allele origin: germline. Not counted in ClinVar's aggregate classification.

Department of Pathology and Laboratory Medicine, Sinai Health System
Classification: Uncertain significance. Review status: no assertion criteria provided. Collection method: clinical testing. Allele origin: unknown. Affected: yes. Study: The Canadian Open Genetics Repository (COGR). Not counted in ClinVar's aggregate classification.
Comment: The GCDH p.Arg243Trp variant was not identified in the literature nor was it identified in ClinVar or LOVD 3.0. The variant was identified in dbSNP (ID: rs549254182), Cosmic (FATHMM prediction of pathogenic; score 0.80). The variant was identified in control databases in 6 of 246230 chromosomes at a frequency of 0.000024 (Genome Aggregation Database Feb 27, 2017) and was observed in the following populations: East Asian in 3 of 17246 chromosomes (freq: 0.000174) and European (Non-Finnish) in 3 of 111692 chromosomes (freq: 0.000027), while the variant was not observed in the African, Ashkenazi Jewish, European (Finnish), Latino, Other and South Asian populations. The variant occurs outside of the splicing consensus sequence and three of four in silico or computational prediction software programs (SpliceSiteFinder, MaxEntScan, GeneSplicer) do not predict a difference in splicing. The p.Arg243 residue is conserved in mammals but not in more distantly related organisms, and four out of five computational analyses (PolyPhen-2, SIFT, BLOSUM, MutationTaster) suggest that the variant may impact the protein; however, this information is not predictive enough to assume pathogenicity. In summary, based on the above information the clinical significance of this variant cannot be determined with certainty at this time. This variant is classified as a variant of uncertain significance.

Literature cited by the submitters: PubMed 32778825 (cited by Labcorp Genetics (formerly Invitae), Labcorp).